The following is an entry in ClinVar:

NM_000051.4(ATM):c.2250G>A (p.Lys750=)

Gene: ATM (ATM serine/threonine kinase; plus strand). Cytogenetic location: 11q22.3.
Variant type: single nucleotide variant.
Coding change: c.2250G>A on transcript NM_000051.4 (MANE Select); coding-DNA position 2250, G replaced by A.
Protein change: p.Lys750=; no amino-acid change (lysine 750 retained).
Molecular consequence: synonymous variant.
Genome position (GRCh38, 1-based): chr11:108,256,340, G>A. VCF-style: chr11-108256340-G-A. GRCh37 (hg19) VCF-style: chr11-108127067-G-A.
Other names: p.K750K:AAG>AAA; 2250G-A; c.2250G>A, p.Lys750= (NM_001351834.2).
Identifiers: ClinVar variation 3044 (VCV000003044.101), dbSNP rs1137887, ClinGen allele CA286741.

ClinVar aggregate classification (germline): Pathogenic/Likely pathogenic. Review status: criteria provided, multiple submitters, no conflicts (2 of 4 stars). 32 submissions from 32 submitters: Pathogenic (24); Likely pathogenic (2). 6 of the submissions do not count toward it. Last evaluated 2026-06-01.

Conditions:
Ataxia-telangiectasia syndrome (AT). Also called: Ataxia-telangiectasia, complementation group E; LOUIS-BAR SYNDROME; Ataxia-telangiectasia; Cerebello-oculocutaneous telangiectasia; Immunodeficiency with ataxia telangiectasia; ATAXIA-TELANGIECTASIA, FRESNO VARIANT. Identifiers: Orphanet 100, MedGen C0004135, MONDO:0008840, OMIM 208900.
ATM-related cancer predisposition. Also called: ATM-related cancer susceptibility. Identifiers: MedGen CN377759, MONDO:0700270.
ATM-related disorder. Also called: ATM-related disorders; ATM-related condition.
Inherited breast cancer and ovarian cancer.
Hereditary cancer-predisposing syndrome. Also called: Neoplastic Syndromes, Hereditary; Tumor predisposition; Hereditary Cancer Syndrome; Hereditary neoplastic syndrome. Identifiers: Orphanet 140162, MedGen C0027672, MeSH D009386, MONDO:0015356.
Familial cancer of breast. Also called: Hereditary breast cancer; BREAST CANCER, FAMILIAL; hereditary breast carcinoma. Identifiers: Orphanet 227535, MedGen C0346153, MONDO:0016419, OMIM 114480. Disease mechanism: loss of function.
Malignant tumor of breast. Also called: Cancer breast; Malignant breast neoplasm. Identifiers: MedGen C0006142, MONDO:0007254. Disease mechanism: loss of function.

Allele frequency attached by ClinVar (database versions not stated): ExAC 0.00001; gnomAD 0.00003; TOPMed 0.00003; gnomAD exomes 0.00004; ESP Exome Variant Server 0.00008.
gnomAD v4.1: 68 of 1,608,736 alleles (0.0042%); highest among the groups gnomAD compares: Middle Eastern, 0.033%; no homozygotes.

Submissions 1 to 11 of 32:

CeGaT Center for Human Genetics Tuebingen
Classification: Pathogenic. Last evaluated: 2026-06-01. Review status: criteria provided, single submitter. Criteria: CeGaT Center For Human Genetics Tuebingen Variant Classification Criteria Version 2. Collection method: clinical testing. Allele origin: germline. Affected: yes. Observed: 8 variant alleles.
Comment: ATM: PM3:Very Strong, PM2, PS3:Moderate, PP3

Natera, Inc.
Classification: Pathogenic for Ataxia-telangiectasia. Last evaluated: 2026-01-28. Review status: criteria provided, single submitter. Criteria: Natera Variant Classification Schema (03/2026). Collection method: clinical testing. Allele origin: germline.
Comment: The c.2250G>A variant in ATM is a synonymous variant that does not alter the encoded amino acid at position 750 (p.K750=). This variant is rare in the general population with a frequency below the threshold expected for the associated phenotype(s). This variant has been observed in one or more individuals affected with the associated recessive disease, as either homozygous or compound heterozygous with a second variant (PMID: 27671921, 12552559, 25037873). Computational prediction algorithms indicate this variant is likely to affect gene or protein function. Given the available evidence, this variant is classified as Pathogenic.

Labcorp Genetics (formerly Invitae), Labcorp
Classification: Pathogenic for Ataxia-telangiectasia syndrome. Last evaluated: 2026-01-21. Review status: criteria provided, single submitter. Criteria: Invitae Variant Classification Sherloc (09022015). Collection method: clinical testing. Allele origin: germline.
Comment: This sequence change affects codon 750 of the ATM mRNA. It is a 'silent' change, meaning that it does not change the encoded amino acid sequence of the ATM protein. This variant also falls at the last nucleotide of exon 14, which is part of the consensus splice site for this exon. This variant is present in population databases (rs1137887, gnomAD 0.008%). This variant has been observed in individuals with ataxia-telangiectasia (PMID: 9463314, 9887333, 10330348, 10980530, 19691550). ClinVar contains an entry for this variant (Variation ID: 3044). Variants that disrupt the consensus splice site are a relatively common cause of aberrant splicing (PMID: 17576681, 9536098). Studies have shown that this variant is associated with altered splicing resulting in multiple RNA products (internal data). For these reasons, this variant has been classified as Pathogenic.

Department of Clinical Genetics, Copenhagen University Hospital, Rigshospitalet
Classification: Pathogenic for ATM-related cancer predisposition; Ataxia-telangiectasia syndrome. Last evaluated: 2025-11-18. Review status: criteria provided, single submitter. Criteria: ACMG Guidelines, 2015. Collection method: clinical testing. Allele origin: germline. Affected: yes.
Comment: The following ACMG criteria has been used: PVS1_Strong (RNA); PM3_Very_Strong

Color Diagnostics, LLC DBA Color Health
Classification: Pathogenic for Hereditary cancer-predisposing syndrome. Last evaluated: 2025-02-10. Review status: criteria provided, single submitter. Criteria: ACMG Guidelines, 2015. Collection method: clinical testing. Allele origin: germline.
Comment: This synonymous variant does not change the encoded amino acid at codon 750 of the ATM protein, but it causes a G to A substitution at the last nucleotide of exon 14 of the ATM gene. Splice site prediction tools suggest that this variant may have a significant impact on RNA splicing. RNA studies using carrier-derived RNA have shown that this variant causes the skipping of exon 14 (also known as exon 16 in the literature)(PMID: 9887333, 18321536, 31843900). The aberrant transcript is predicted to result in an in-frame deletion of 42 amino acids of the ATM protein. This variant has been reported in the homozygous state or compound heterozygous state with an additional pathogenic ATM variant in many individuals affected with ataxia-telangiectasia (PMID: 10330348, 10980530, 12552559, 17124347, 18321536, 18634022, 19691550, 21792198, 25614872, 27671921, 35145552; DOI: 10.1055/s-0041-1739584). This variant has also been reported in individuals affected with breast cancer (PMID: 21445571, 26681312, 28779002, 29785153). This variant has been identified in 11/250736 chromosomes in the general population by the Genome Aggregation Database (gnomAD). Loss of ATM function is a known mechanism of disease. Based on the available evidence, this variant is classified as Pathogenic.

Blueprint Genetics
Classification: Pathogenic for ATM-related disorders. Last evaluated: 2024-09-02. Review status: criteria provided, single submitter. Criteria: ACMG Guidelines, 2015. Collection method: clinical testing. Allele origin: germline. Affected: yes. Observed: 5 variant alleles.

Ambry Genetics
Classification: Pathogenic for Hereditary cancer-predisposing syndrome. Last evaluated: 2024-04-10. Review status: criteria provided, single submitter. Criteria: Ambry Variant Classification Scheme 2023. Collection method: clinical testing. Allele origin: germline.
Comment: The c.2250G>A pathogenic mutation (also known as p.K750K), located in coding exon 13 of the ATM gene, results from a G to A substitution at nucleotide position 2250. This nucleotide substitution does not change the lysine at codon 750; however, it occurs at the last base pair of coding exon 13. This mutation has been reported in several patients with ataxia-telangiectasia (A-T) (Laake K et al. Hum. Mutat. 2000 Sep;16:232-46; Stankovic T et al. Am. J. Hum. Genet. 1998 Feb;62:334-45; Sandoval N et al. Hum. Mol. Genet. 1999 Jan;8:69-79). This mutation has been reported to cause skipping of coding exon 13 (also referred to as exon 16 in the literature), resulting in the in-frame deletion of 42 amino acids (Laake K et al. Hum. Mutat. 2000 Sep;16:232-46; Stankovic T et al. Am. J. Hum. Genet. 1998 Feb;62:334-45; Sandoval N et al. Hum. Mol. Genet. 1999 Jan;8:69-79). In silico splice site analysis predicts that this alteration will weaken the native splice donor site. RNA studies have demonstrated that this alteration results in the same splicing event reported in the literature (Ambry internal data). Based on the supporting evidence, this alteration is interpreted as a disease-causing mutation.

Baylor Genetics
Classification: Pathogenic for Familial cancer of breast. Last evaluated: 2024-01-26. Review status: criteria provided, single submitter. Criteria: ACMG Guidelines, 2015. Collection method: clinical testing. Allele origin: unknown.

Myriad Genetics, Inc.
Classification: Pathogenic for Familial cancer of breast. Last evaluated: 2024-01-17. Review status: criteria provided, single submitter. Criteria: Myriad Autosomal Dominant, Autosomal Recessive and X-Linked Classification Criteria (2023). Collection method: clinical testing. Allele origin: unknown.
Comment: This variant is considered pathogenic. This variant has been reported in multiple individuals with clinical features of gene-specific disease [PMID: 9463314, 10330348].

Institute for Genomic Medicine (IGM) Clinical Laboratory, Nationwide Children's Hospital
Classification: Pathogenic for ATM-related cancer predisposition. Last evaluated: 2023-03-16. Review status: criteria provided, single submitter. Criteria: ACMG Guidelines, 2015. Collection method: clinical testing. Allele origin: germline.
Comment: Well-established functional studies have demonstrated this variant to have a damaging effect on protein function or splicing (ACMG/AMP: PS3; PMIDs:9887333, 10873394, 10980530). This variant has been reported at an elevated frequency in affected individuals/in multiple affected individuals in the literature (ACMG/AMP: PS4; PMIDs:9463314, 9887333, 10330348, 10980530, 19691550). This variant has been observed in trans with a pathogenic variant (ACMG/AMP: PM3; PMID:19691550). This variant is predicted to result in an in-frame insertion or deletion in a non-repetitive region (ACMG/AMP: PM4; PMID:10980530). This variant is predicted to alter protein function or structure, or disrupt splicing by multiple in silico tools (ACMG/AMP: PP3).

Institute for Medical Genetics and Human Genetics, Charité - Universitätsmedizin Berlin
Classification: Likely pathogenic for Ataxia-telangiectasia syndrome. Last evaluated: 2022-09-22. Review status: criteria provided, single submitter. Criteria: ACMG Guidelines, 2015. Collection method: clinical testing. Allele origin: germline. Inheritance: Autosomal recessive inheritance. Affected: yes. Observed: 1 compound heterozygote.